The following is an entry in ClinVar:

ClinVar aggregate classification (germline): Uncertain significance (1 of 4 stars; one submission).

Submission:

CeGaT Center for Human Genetics Tuebingen
Classification: Uncertain significance. Last evaluated: 2025-12-01. Review status: criteria provided, single submitter. Criteria: CeGaT Center For Human Genetics Tuebingen Variant Classification Criteria Version 2. Collection method: clinical testing. Allele origin: germline. Affected: yes. Observed: 1 variant allele.
Comment: PTPRQ: PM2:Supporting, BP4

NM_001145026.2(PTPRQ):c.871G>C (p.Gly291Arg)

Gene: PTPRQ (protein tyrosine phosphatase receptor type Q; plus strand). Cytogenetic location: 12q21.31.
Variant type: single nucleotide variant.
Coding change: c.871G>C on transcript NM_001145026.2 (MANE Select); coding-DNA position 871, G replaced by C.
Protein change: p.Gly291Arg; replaces glycine 291 with arginine.
Molecular consequence: missense variant.
Genome position (GRCh38, 1-based): chr12:80,460,863, G>C. VCF-style: chr12-80460863-G-C. GRCh37 (hg19) VCF-style: chr12-80849314-C-G.
Other names: short protein forms G291R.
Identifiers: ClinVar variation 4681963 (VCV004681963.5).
Genomic context (GRCh38, chr12:80,460,863, plus strand): 5'-ACACACTTGAGACCTTATACAACATATCTTTTTGAAGTTTCAGCTGCTACAACTGAAGCA[G>C]GTTATATTGATAGTACGATTGTCAGAACACCAGAATCAGGTATGGTTCACTTTTTGTAGA-3'
Protein context (NP_001138498.1, residues 281-301): FEVSAATTEA[Gly291Arg]YIDSTIVRTP